The following is an entry in ClinVar:

NM_002609.4(PDGFRB):c.736G>A (p.Glu246Lys)

Gene: PDGFRB (platelet derived growth factor receptor beta; minus strand). Cytogenetic location: 5q32.
Variant type: single nucleotide variant.
Coding change: c.736G>A on transcript NM_002609.4 (MANE Select); coding-DNA position 736, G replaced by A.
Protein change: p.Glu246Lys; replaces glutamic acid 246 with lysine.
Molecular consequence: missense variant.
Genome position (GRCh38, 1-based): chr5:150,133,904, C>T on the plus strand (G>A on the coding strand, the complement: PDGFRB is on the minus strand). VCF-style: chr5-150133904-C-T. GRCh37 (hg19) VCF-style: chr5-149513467-C-T.
Other names: c.544G>A, p.Glu182Lys (NM_001355016.2); c.253G>A, p.Glu85Lys (NM_001355017.2); short protein forms E182K, E246K, E85K.
Identifiers: ClinVar variation 4788630 (VCV004788630.1).

ClinVar aggregate classification (germline): Uncertain significance (1 of 4 stars; one submission).

Conditions:
Skeletal overgrowth-craniofacial dysmorphism-hyperelastic skin-white matter lesions syndrome. Also called: SKELETAL OVERGROWTH WITH FACIAL DYSMORPHISM, HYPERELASTIC SKIN, WHITE MATTER LESIONS, AND NEUROLOGIC DETERIORATION; Kosaki overgrowth syndrome. Identifiers: Orphanet 477831, MedGen C4225270, MONDO:0014704, OMIM 616592.
Acroosteolysis-keloid-like lesions-premature aging syndrome. Also called: Premature aging syndrome, Penttinen type; Prematurely aged appearance, delayed bone maturation, acro-osteolysis, and brachydactyly; Progeroid syndrome, Penttinen type. Identifiers: Orphanet 363665, MedGen C1866182, MONDO:0011150, OMIM 601812.
Infantile myofibromatosis (IMF). Also called: Congenital generalized fibromatosis. Identifiers: Orphanet 2591, MedGen C0432284, MONDO:0016824.
Basal ganglia calcification, idiopathic, 4 (PFBC4). Also called: Familial Idiopathic Basal Ganglia Calcification 4; PRIMARY FAMILIAL BRAIN CALCIFICATION 4, AUTOSOMAL DOMINANT. Identifiers: Orphanet 1980, MedGen C3554321, MONDO:0014004, OMIM 615007.

gnomAD v4.1: 2 of 1,613,988 alleles (0.00012%); highest among the groups gnomAD compares: South Asian, 0.0011%; no homozygotes.

Submission:

Labcorp Genetics (formerly Invitae), Labcorp
Classification: Uncertain significance for Basal ganglia calcification, idiopathic, 4; Skeletal overgrowth-craniofacial dysmorphism-hyperelastic skin-white matter lesions syndrome; Infantile myofibromatosis; Acroosteolysis-keloid-like lesions-premature aging syndrome. Last evaluated: 2025-04-08. Review status: criteria provided, single submitter. Criteria: Invitae Variant Classification Sherloc (09022015). Collection method: clinical testing. Allele origin: germline.
Comment: This sequence change replaces glutamic acid, which is acidic and polar, with lysine, which is basic and polar, at codon 246 of the PDGFRB protein (p.Glu246Lys). This variant is not present in population databases (gnomAD no frequency). This variant has not been reported in the literature in individuals affected with PDGFRB-related conditions. Invitae Evidence Modeling of protein sequence and biophysical properties (such as structural, functional, and spatial information, amino acid conservation, physicochemical variation, residue mobility, and thermodynamic stability) indicates that this missense variant is not expected to disrupt PDGFRB protein function with a negative predictive value of 80%. In summary, the available evidence is currently insufficient to determine the role of this variant in disease. Therefore, it has been classified as a Variant of Uncertain Significance.